The following is an entry in ClinVar:

ClinVar aggregate classification (germline): Pathogenic/Likely pathogenic. Review status: criteria provided, multiple submitters, no conflicts (2 of 4 stars). 4 submissions from 4 submitters: Pathogenic (2); Likely pathogenic (2). Last evaluated 2025-09-02.

Conditions:
COL2A1-related disorder. Also called: COL2A1-related condition; COL2A1-related disorders.

Submissions (4):

Labcorp Genetics (formerly Invitae), Labcorp
Classification: Pathogenic. Last evaluated: 2025-09-02. Review status: criteria provided, single submitter. Criteria: Invitae Variant Classification Sherloc (09022015). Collection method: clinical testing. Allele origin: germline.
Comment: This sequence change replaces glycine, which is neutral and non-polar, with arginine, which is basic and polar, at codon 621 of the COL2A1 protein (p.Gly621Arg). This variant is not present in population databases (gnomAD no frequency). This missense change has been observed in individuals with autosomal dominant avascular necrosis of the femoral head (internal data). ClinVar contains an entry for this variant (Variation ID: 196112). Invitae Evidence Modeling of protein sequence and biophysical properties (such as structural, functional, and spatial information, amino acid conservation, physicochemical variation, residue mobility, and thermodynamic stability) indicates that this missense variant is expected to disrupt COL2A1 protein function with a positive predictive value of 95%. This variant disrupts the triple helix domain of COL2A1. Glycine residues within the Gly-Xaa-Yaa repeats of the triple helix domain are required for the structure and stability of fibrillar collagens (PMID: 7695699, 8218237, 19344236). In COL2A1, variants affecting these glycine residues are significantly enriched in individuals with disease (PMID: 9016532, 17078022) compared to the general population (ExAC). This variant disrupts the p.Gly621 amino acid residue in COL2A1. Other variant(s) that disrupt this residue have been observed in individuals with COL2A1-related conditions (internal data), which suggests that this may be a clinically significant amino acid residue. For these reasons, this variant has been classified as Pathogenic.

GeneDx
Classification: Pathogenic. Last evaluated: 2025-06-16. Review status: criteria provided, single submitter. Criteria: GeneDx Variant Classification Process June 2021. Collection method: clinical testing. Allele origin: germline. Affected: yes.
Comment: Occurs in the triple helical domain and replaces a glycine in a canonical Gly-X-Y repeat; missense substitution of a canonical glycine residue is expected to disrupt normal protein folding and function, and this is an established mechanism of disease (PMID: 34007986); Not observed at significant frequency in large population cohorts (gnomAD); Has not been previously published as pathogenic or benign to our knowledge; This variant is associated with the following publications: (PMID: 34007986)

Blueprint Genetics
Classification: Likely pathogenic for COL2A1-related disorders. Last evaluated: 2019-08-28. Review status: criteria provided, single submitter. Criteria: ACMG Guidelines, 2015. Collection method: clinical testing. Allele origin: germline. Affected: yes. Observed: 1 variant allele.

Eurofins Ntd Llc (ga)
Classification: Likely pathogenic. Last evaluated: 2015-04-22. Review status: criteria provided, single submitter. Criteria: EGL Classification Definitions 2015. Collection method: clinical testing. Allele origin: germline. Observed: 1 variant allele, 1 heterozygote.

Literature cited by the submitters: PubMed 7695699 (cited by Labcorp Genetics (formerly Invitae), Labcorp); PubMed 8218237 (cited by Labcorp Genetics (formerly Invitae), Labcorp); PubMed 19344236 (cited by Labcorp Genetics (formerly Invitae), Labcorp); PubMed 9016532 (cited by Labcorp Genetics (formerly Invitae), Labcorp); PubMed 17078022 (cited by Labcorp Genetics (formerly Invitae), Labcorp).

NM_001844.5(COL2A1):c.1861G>A (p.Gly621Arg)

Gene: COL2A1 (collagen type II alpha 1 chain; minus strand). Cytogenetic location: 12q13.11.
Variant type: single nucleotide variant.
Coding change: c.1861G>A on transcript NM_001844.5 (MANE Select); coding-DNA position 1861, G replaced by A.
Protein change: p.Gly621Arg; replaces glycine 621 with arginine.
Molecular consequence: missense variant.
Genome position (GRCh38, 1-based): chr12:47,984,572, C>T on the plus strand (G>A on the coding strand, the complement: COL2A1 is on the minus strand). VCF-style: chr12-47984572-C-T. GRCh37 (hg19) VCF-style: chr12-48378355-C-T.
Other names: c.1654G>A, p.Gly552Arg (NM_033150.3); short protein forms G621R, G552R.
Identifiers: ClinVar variation 196112 (VCV000196112.16), dbSNP rs794727462, ClinGen allele CA302911.